The following is an entry in ClinVar:

ClinVar aggregate classification (germline): Uncertain significance. Review status: criteria provided, multiple submitters, no conflicts (2 of 4 stars). 2 submissions from 2 submitters: Uncertain significance (2). Last evaluated 2022-06-20.

Conditions:
Fanconi anemia (FA). Also called: Fanconi's anemia. Identifiers: Orphanet 84, MedGen C0015625, MeSH D005199, MONDO:0019391.

gnomAD v4.1: 1 of 1,614,172 alleles (0.000062%); highest among the groups gnomAD compares: Non-Finnish European, 0.000085%; no homozygotes.

Submissions (2):

GeneDx
Classification: Uncertain significance. Last evaluated: 2022-06-20. Review status: criteria provided, single submitter. Criteria: GeneDx Variant Classification Process June 2021. Collection method: clinical testing. Allele origin: germline. Affected: yes.
Comment: Has not been previously published as pathogenic or benign to our knowledge; In silico analysis supports that this missense variant does not alter protein structure/function; Not observed at significant frequency in large population cohorts (gnomAD)

Labcorp Genetics (formerly Invitae), Labcorp
Classification: Uncertain significance for Fanconi anemia. Last evaluated: 2022-05-27. Review status: criteria provided, single submitter. Criteria: Invitae Variant Classification Sherloc (09022015). Collection method: clinical testing. Allele origin: germline.
Comment: This sequence change replaces tyrosine, which is neutral and polar, with asparagine, which is neutral and polar, at codon 151 of the FANCF protein (p.Tyr151Asn). This variant is not present in population databases (gnomAD no frequency). This variant has not been reported in the literature in individuals affected with FANCF-related conditions. Algorithms developed to predict the effect of missense changes on protein structure and function (SIFT, PolyPhen-2, Align-GVGD) all suggest that this variant is likely to be tolerated. In summary, the available evidence is currently insufficient to determine the role of this variant in disease. Therefore, it has been classified as a Variant of Uncertain Significance.

NM_022725.4(FANCF):c.451T>A (p.Tyr151Asn)

Gene: FANCF (FA complementation group F; minus strand). Cytogenetic location: 11p14.3.
Variant type: single nucleotide variant.
Coding change: c.451T>A on transcript NM_022725.4 (MANE Select); coding-DNA position 451, T replaced by A.
Protein change: p.Tyr151Asn; replaces tyrosine 151 with asparagine.
Molecular consequence: missense variant.
Genome position (GRCh38, 1-based): chr11:22,625,360, A>T on the plus strand (T>A on the coding strand, the complement: FANCF is on the minus strand). VCF-style: chr11-22625360-A-T. GRCh37 (hg19) VCF-style: chr11-22646906-A-T.
Other names: short protein forms Y151N.
Identifiers: ClinVar variation 1440055 (VCV001440055.9), dbSNP rs984455929, ClinGen allele CA219086642.